The following is an entry in ClinVar:

ClinVar aggregate classification (germline): Pathogenic (1 of 4 stars; one submission).

Submission:

GeneDx
Classification: Pathogenic. Last evaluated: 2018-01-18. Review status: criteria provided, single submitter. Criteria: GeneDx Variant Classification (06012015). Collection method: clinical testing. Allele origin: germline. Affected: yes.
Comment: The c.4109_4110delTG deletion in the SHANK3 gene has not been reported previously as a pathogenic variant nor as a benign polymorphism, to our knowledge. The c.4109_4110delTG variant causes a frameshift starting with codon Leucine 1370, changes this amino acid to an Arginine residue and creates a premature Stop codon at position 24 of the new reading frame, denoted p.Leu1370ArgfsX24. This deletion is predicted to cause loss of normal protein function either through protein truncation or nonsense-mediated mRNA decay. The c.4109_4110delTG deletion was not observed in approximately 6300 individuals of European and African American ancestry in the NHLBI Exome Sequencing Project,indicating it is not a common benign variant in these populations. We interpret c.4109_4110delTG as apathogenic variant.

NM_001372044.2(SHANK3):c.4334_4335del (p.Leu1445fs)

Gene: SHANK3 (SH3 and multiple ankyrin repeat domains 3; plus strand). Cytogenetic location: 22q13.33.
Variant type: Deletion.
Coding change: c.4334_4335del on transcript NM_001372044.2 (MANE Select); coding-DNA positions 4334 to 4335, 2 bases deleted (TG; older notation c.4334_4335delTG).
Protein change: p.Leu1445fs; shifts the reading frame from leucine 1445.
Molecular consequence: frameshift variant.
Genome position (GRCh38, 1-based): chr22:50,721,942-50,721,943, TG deleted. VCF-style (leftmost placement, unchanged base first): chr22-50721941-CTG-C. GRCh37 (hg19) VCF-style: chr22-51160369-CTG-C.
Other names: c.4109_4110delTG, p.Leu1370Argfs (NM_033517.1); short protein forms L1445fs.
Identifiers: ClinVar variation 418906 (VCV000418906.2), dbSNP rs1064793514, ClinGen allele CA16621141.